The following is an entry in ClinVar:

NM_004380.3(CREBBP):c.5172+6C>T

Gene: CREBBP (CREB binding lysine acetyltransferase; minus strand). Cytogenetic location: 16p13.3.
Variant type: single nucleotide variant.
Coding change: c.5172+6C>T on transcript NM_004380.3 (MANE Select); 6 bases into the intron after coding-DNA position 5172, C replaced by T.
Molecular consequence: intron variant.
Genome position (GRCh38, 1-based): chr16:3,731,186, G>A on the plus strand (C>T on the coding strand, the complement: CREBBP is on the minus strand). VCF-style: chr16-3731186-G-A. GRCh37 (hg19) VCF-style: chr16-3781187-G-A.
Other names: c.5058+6C>T (NM_001079846.1).
Identifiers: ClinVar variation 4984949 (VCV004984949.1).

ClinVar aggregate classification (germline): Likely benign (1 of 4 stars; one submission).

Conditions:
CREBBP-related disorder. Also called: CREBBP-related disorders; CREBBP-related condition.

gnomAD v4.1: 3 of 1,608,806 alleles (0.00019%); highest among the groups gnomAD compares: Non-Finnish European, 0.00025%; no homozygotes.

Submission:

PreventionGenetics, part of Exact Sciences
Classification: Likely benign for CREBBP-related condition. Last evaluated: 2026-06-07. Review status: criteria provided, single submitter. Criteria: ACMG Guidelines, 2015. Collection method: clinical testing. Allele origin: germline.
Comment: This variant is classified as likely benign based on ACMG/AMP sequence variant interpretation guidelines (Richards et al. 2015 PMID: 25741868, with internal and published modifications).